The following is an entry in ClinVar:

ClinVar aggregate classification (germline): Uncertain significance. Review status: criteria provided, multiple submitters, no conflicts (2 of 4 stars). 2 submissions from 2 submitters: Uncertain significance (2). Last evaluated 2025-12-23.

Conditions:
Hereditary cancer-predisposing syndrome. Also called: Tumor predisposition; Neoplastic Syndromes, Hereditary; Hereditary Cancer Syndrome; Hereditary neoplastic syndrome. Identifiers: Orphanet 140162, MedGen C0027672, MeSH D009386, MONDO:0015356.
Bloom syndrome (BLM). Also called: Bloom-Torre-Machacek syndrome. Identifiers: Orphanet 125, MedGen C0005859, MONDO:0008876, OMIM 210900.

Allele frequency attached by ClinVar (database versions not stated): gnomAD exomes below 0.00001 and 0.00001; TOPMed below 0.00001; ExAC 0.00001.
gnomAD v4.1: 3 of 1,613,974 alleles (0.00019%); highest among the groups gnomAD compares: East Asian, 0.0067%; no homozygotes.

Submissions (2):

Labcorp Genetics (formerly Invitae), Labcorp
Classification: Uncertain significance for Bloom syndrome. Last evaluated: 2025-12-23. Review status: criteria provided, single submitter. Criteria: Invitae Variant Classification Sherloc (09022015). Collection method: clinical testing. Allele origin: germline.
Comment: This sequence change replaces threonine, which is neutral and polar, with alanine, which is neutral and non-polar, at codon 652 of the BLM protein (p.Thr652Ala). This variant is present in population databases (rs779368359, gnomAD 0.02%). This variant has not been reported in the literature in individuals affected with BLM-related conditions. ClinVar contains an entry for this variant (Variation ID: 1380502). Invitae Evidence Modeling of protein sequence and biophysical properties (such as structural, functional, and spatial information, amino acid conservation, physicochemical variation, residue mobility, and thermodynamic stability) indicates that this missense variant is not expected to disrupt BLM protein function with a negative predictive value of 80%. In summary, the available evidence is currently insufficient to determine the role of this variant in disease. Therefore, it has been classified as a Variant of Uncertain Significance.

Ambry Genetics
Classification: Uncertain significance for Hereditary cancer-predisposing syndrome. Last evaluated: 2025-06-08. Review status: criteria provided, single submitter. Criteria: Ambry Variant Classification Scheme 2023. Collection method: clinical testing. Allele origin: germline.
Comment: The p.T652A variant (also known as c.1954A>G), located in coding exon 7 of the BLM gene, results from an A to G substitution at nucleotide position 1954. The threonine at codon 652 is replaced by alanine, an amino acid with similar properties. This amino acid position is not well conserved in available vertebrate species. In addition, this alteration is predicted to be tolerated by in silico analysis. Since supporting evidence is limited at this time, the clinical significance of this alteration remains unclear.

NM_000057.4(BLM):c.1954A>G (p.Thr652Ala)

Gene: BLM (BLM RecQ like helicase; plus strand). Cytogenetic location: 15q26.1.
Variant type: single nucleotide variant.
Coding change: c.1954A>G on transcript NM_000057.4 (MANE Select); coding-DNA position 1954, A replaced by G.
Protein change: p.Thr652Ala; replaces threonine 652 with alanine.
Molecular consequence: missense variant.
Genome position (GRCh38, 1-based): chr15:90,763,037, A>G. VCF-style: chr15-90763037-A-G. GRCh37 (hg19) VCF-style: chr15-91306267-A-G.
Other names: c.1954A>G, p.Thr652Ala (NM_001287246.2, NM_001287247.2); c.829A>G, p.Thr277Ala (NM_001287248.2); short protein forms T277A, T652A.
Identifiers: ClinVar variation 1380502 (VCV001380502.10), dbSNP rs779368359, ClinGen allele CA7738627.